The following is an entry in ClinVar:

ClinVar aggregate classification (germline): Uncertain significance (1 of 4 stars; one submission).

Conditions:
Malignant hyperthermia, susceptibility to, 1 (MHS1). Also called: RYR1-Related Malignant Hyperthermia Susceptibility; Malignant hyperthermia suceptibility 1; Anesthesia related hyperthermia; Malignant hyperpyrexia; Fulminating hyperpyrexia; Pharmacogenic myopathy. Identifiers: Orphanet 423, MedGen C2930980, MONDO:0007783, OMIM 145600.

Submission:

Color Diagnostics, LLC DBA Color Health
Classification: Uncertain significance for Malignant hyperthermia, susceptibility to, 1. Last evaluated: 2024-01-30. Review status: criteria provided, single submitter. Criteria: ACMG Guidelines, 2015. Collection method: clinical testing. Allele origin: germline.
Comment: This missense variant replaces arginine with leucine at codon 2593 of the RYR1 protein. Computational prediction suggests that this variant may have deleterious impact on protein structure and function. To our knowledge, functional studies have not been reported for this variant. This variant has not been reported in individuals affected with RYR1-related disorders in the literature. This variant has not been identified in the general population by the Genome Aggregation Database (gnomAD). The available evidence is insufficient to determine the role of this variant in disease conclusively. Therefore, this variant is classified as a Variant of Uncertain Significance.

NM_000540.3(RYR1):c.7778G>T (p.Arg2593Leu)

Gene: RYR1 (ryanodine receptor 1; plus strand). Cytogenetic location: 19q13.2.
Variant type: single nucleotide variant.
Coding change: c.7778G>T on transcript NM_000540.3 (MANE Select); coding-DNA position 7778, G replaced by T.
Protein change: p.Arg2593Leu; replaces arginine 2593 with leucine.
Molecular consequence: missense variant.
Genome position (GRCh38, 1-based): chr19:38,502,670, G>T. VCF-style: chr19-38502670-G-T. GRCh37 (hg19) VCF-style: chr19-38993310-G-T.
Other names: c.7778G>T, p.Arg2593Leu (NM_001042723.2); short protein forms R2593L.
Identifiers: ClinVar variation 4758511 (VCV004758511.1).